The following is an entry in ClinVar:

NM_173648.4(CCDC141):c.2975A>T (p.Lys992Ile)

Gene: CCDC141 (coiled-coil domain containing 141; minus strand). Cytogenetic location: 2q31.2.
Variant type: single nucleotide variant.
Coding change: c.2975A>T on transcript NM_173648.4 (MANE Select); coding-DNA position 2975, A replaced by T.
Protein change: p.Lys992Ile; replaces lysine 992 with isoleucine.
Molecular consequence: missense variant.
Genome position (GRCh38, 1-based): chr2:178,855,432, T>A on the plus strand (A>T on the coding strand, the complement: CCDC141 is on the minus strand). VCF-style: chr2-178855432-T-A. GRCh37 (hg19) VCF-style: chr2-179720159-T-A.
Other names: short protein forms K992I.
Identifiers: ClinVar variation 4781996 (VCV004781996.1).

ClinVar aggregate classification (germline): Uncertain significance (1 of 4 stars; one submission).

gnomAD v4.1: 2 of 1,612,132 alleles (0.00012%); highest among the groups gnomAD compares: Non-Finnish European, 0.000085%; no homozygotes.

Submission:

Labcorp Genetics (formerly Invitae), Labcorp
Classification: Uncertain significance. Last evaluated: 2025-10-09. Review status: criteria provided, single submitter. Criteria: Invitae Variant Classification Sherloc (09022015). Collection method: clinical testing. Allele origin: germline.
Comment: This sequence change replaces lysine, which is basic and polar, with isoleucine, which is neutral and non-polar, at codon 992 of the CCDC141 protein (p.Lys992Ile). This variant is not present in population databases (gnomAD no frequency). This variant has not been reported in the literature in individuals affected with CCDC141-related conditions. An algorithm developed to predict the effect of missense changes on protein structure and function (PolyPhen-2) suggests that this variant is likely to be disruptive. In summary, the available evidence is currently insufficient to determine the role of this variant in disease. Therefore, it has been classified as a Variant of Uncertain Significance.